The following is an entry in ClinVar:

NM_002700.3(POU4F3):c.650T>A (p.Ile217Asn)

Genes: POU4F3 (POU class 4 homeobox 3; plus strand), RBM27-POU4F3 (RBM27-POU4F3 readthrough; plus strand). Cytogenetic location: 5q32.
Variant type: single nucleotide variant.
Coding change: c.650T>A on transcript NM_002700.3 (MANE Select); coding-DNA position 650, T replaced by A.
Protein change: p.Ile217Asn; replaces isoleucine 217 with asparagine.
Molecular consequence: missense variant. On other transcripts: 3 prime UTR variant (1).
Genome position (GRCh38, 1-based): chr5:146,340,077, T>A. VCF-style: chr5-146340077-T-A. GRCh37 (hg19) VCF-style: chr5-145719640-T-A.
Other names: c.*519T>A (NM_001414499.1); short protein forms I217N.
Identifiers: ClinVar variation 2745900 (VCV002745900.3), dbSNP rs2479693410, ClinGen allele CA361621703.

ClinVar aggregate classification (germline): Uncertain significance (1 of 4 stars; one submission).

Submission:

Labcorp Genetics (formerly Invitae), Labcorp
Classification: Uncertain significance. Last evaluated: 2023-07-22. Review status: criteria provided, single submitter. Criteria: Invitae Variant Classification Sherloc (09022015). Collection method: clinical testing. Allele origin: germline.
Comment: This sequence change replaces isoleucine, which is neutral and non-polar, with asparagine, which is neutral and polar, at codon 217 of the POU4F3 protein (p.Ile217Asn). This variant is not present in population databases (gnomAD no frequency). This variant has not been reported in the literature in individuals affected with POU4F3-related conditions. An algorithm developed to predict the effect of missense changes on protein structure and function (PolyPhen-2) suggests that this variant is likely to be disruptive. In summary, the available evidence is currently insufficient to determine the role of this variant in disease. Therefore, it has been classified as a Variant of Uncertain Significance.